The following is an entry in ClinVar:

ClinVar aggregate classification (germline): Pathogenic (1 of 4 stars; one submission).

Conditions:
Thrombotic thrombocytopenic purpura. Also called: Moschowitz syndrome; Moschkowitz Disease. Identifiers: Orphanet 54057, MedGen C0034155, MONDO:0018896.

Submission:

Women's Health and Genetics/Laboratory Corporation of America, LabCorp
Classification: Pathogenic for Thrombotic thrombocytopenic purpura. Last evaluated: 2025-06-16. Review status: criteria provided, single submitter. Criteria: LabCorp Variant Classification Summary - May 2015. Collection method: clinical testing. Allele origin: germline.
Comment: Variant summary: The variant involves the deletion of exons 9-11 in the ADAMTS13 gene. A presumed nomenclature of c.(987+1_988-1)_(1308+1_1309-1)del has been designated for the purposes of this classification. This Copy Number Variant (CNV) is predicted to result in an in-frame deletion within this gene. The variant was absent in 21692 control chromosomes. To our knowledge, no occurrence of c.(987+1_988-1)_(1308+1_1309-1)del in individuals affected with Thrombotic Thrombocytopenic Purpura and no experimental evidence demonstrating its impact on protein function have been reported. However, several variants within the deleted region have been classified as likely pathogenic/pathogenic in ClinVar, indicating the critical relevance of exons 9-11 to ADAMTS13 protein function. No submitters have cited clinical-significance assessments for this variant to ClinVar. Based on the evidence outlined above, the variant was classified as pathogenic.

NC_000009.11:g.(136295222_136297708)_(136298825_136301948)del

Gene: ADAMTS13 (ADAM metallopeptidase with thrombospondin type 1 motif 13; plus strand). Cytogenetic location: 9q34.2.
Variant type: Deletion.
Identifiers: ClinVar variation 3907105 (VCV003907105.1).